The following is an entry in ClinVar:

NM_000053.4(ATP7B):c.3786C>T (p.Val1262=)

Gene: ATP7B (ATPase copper transporting beta; minus strand). Cytogenetic location: 13q14.3.
Variant type: single nucleotide variant.
Coding change: c.3786C>T on transcript NM_000053.4 (MANE Select); coding-DNA position 3786, C replaced by T.
Protein change: p.Val1262=; no amino-acid change (valine 1262 retained).
Molecular consequence: synonymous variant.
Genome position (GRCh38, 1-based): chr13:51,937,593, G>A on the plus strand (C>T on the coding strand, the complement: ATP7B is on the minus strand). VCF-style: chr13-51937593-G-A. GRCh37 (hg19) VCF-style: chr13-52511729-G-A.
Other names: c.3165C>T, p.Val1055= (NM_001005918.3); c.3453C>T, p.Val1151= (NM_001243182.2); c.3552C>T, p.Val1184= (NM_001330578.2); c.3534C>T, p.Val1178= (NM_001330579.2).
Identifiers: ClinVar variation 288242 (VCV000288242.62), dbSNP rs375007352, ClinGen allele CA6988568.

ClinVar aggregate classification (germline): Conflicting classifications of pathogenicity. Review status: criteria provided, conflicting classifications (1 of 4 stars). 9 submissions from 9 submitters: Uncertain significance (1); Likely benign (7). 1 of the submissions does not count toward it. Last evaluated 2026-01-11.

Conditions:
Inborn genetic diseases. Identifiers: MedGen C0950123, MeSH D030342.
Wilson disease (WND). Also called: Wilson's disease. Identifiers: Orphanet 905, MedGen C0019202, MONDO:0010200, OMIM 277900. Disease mechanism: loss of function.

Allele frequency attached by ClinVar (database versions not stated): gnomAD 0.00001; gnomAD exomes 0.00002 and 0.00006; TOPMed 0.00002; ExAC 0.00005; ESP Exome Variant Server 0.00008.
gnomAD v4.1: 35 of 1,614,120 alleles (0.0022%); highest among the groups gnomAD compares: East Asian, 0.022%; no homozygotes.

Submissions (9):

Labcorp Genetics (formerly Invitae), Labcorp
Classification: Likely benign for Wilson disease. Last evaluated: 2026-01-11. Review status: criteria provided, single submitter. Criteria: Invitae Variant Classification Sherloc (09022015). Collection method: clinical testing. Allele origin: germline.

All of Us Research Program, National Institutes of Health
Classification: Likely benign for Wilson disease. Last evaluated: 2024-01-11. Review status: criteria provided, single submitter. Criteria: ACMG Guidelines, 2015. Collection method: clinical testing. Allele origin: germline. Inheritance: Autosomal recessive inheritance. Observed: 8 variant alleles, 8 heterozygotes.
Comment: This study involves interpretation of variants in research participants for the purpose of population health screening. Participant phenotype was not available at the time of variant classification. Additional details can be found in publication PMID: 35346344, PMCID: PMC8962531

Color Diagnostics, LLC DBA Color Health
Classification: Likely benign for Wilson disease. Last evaluated: 2022-05-26. Review status: criteria provided, single submitter. Criteria: ACMG Guidelines, 2015. Collection method: clinical testing. Allele origin: germline.

Ambry Genetics
Classification: Likely benign for Inborn genetic diseases. Last evaluated: 2021-12-16. Review status: criteria provided, single submitter. Criteria: Ambry Variant Classification Scheme 2023. Collection method: clinical testing. Allele origin: germline.

Genome-Nilou Lab
Classification: Likely benign for Wilson disease. Last evaluated: 2021-08-10. Review status: criteria provided, single submitter. Criteria: ACMG Guidelines, 2015. Collection method: clinical testing. Allele origin: germline. Affected: no.

CeGaT Center for Human Genetics Tuebingen
Classification: Likely benign. Last evaluated: 2021-03-01. Review status: criteria provided, single submitter. Criteria: CeGaT Center For Human Genetics Tuebingen Variant Classification Criteria Version 2. Collection method: clinical testing. Allele origin: germline. Affected: yes. Observed: 1 variant allele.

ARUP Laboratories, Molecular Genetics and Genomics, ARUP Laboratories
Classification: Likely benign. Last evaluated: 2018-06-28. Review status: criteria provided, single submitter. Criteria: ARUP Molecular Germline Variant Investigation Process. Collection method: clinical testing. Allele origin: germline.
Comment: The ATP7B c.3786C>T; p.Val1262Val variant (rs375007352), to our knowledge, is not reported in the medical literature but is reported in ClinVar (Variation ID: 288242). This variant is found in the general population with an overall allele frequency of 0.005% (13/277214 alleles) in the Genome Aggregation Database. This is a synonymous variant in a weakly conserved nucleotide, and computational analyses (Alamut v.2.11) predict that this variant does not alter splicing. Based on available information, this variant is considered to be likely benign.

Eurofins Ntd Llc (ga)
Classification: Uncertain significance. Last evaluated: 2016-05-19. Review status: criteria provided, single submitter. Criteria: EGL Classification Definitions 2015. Collection method: clinical testing. Allele origin: germline. Observed: 1 variant allele, 1 heterozygote.

Natera, Inc.
Classification: Uncertain significance for Wilson disease. Last evaluated: 2020-01-24. Review status: no assertion criteria provided. Collection method: clinical testing. Allele origin: germline. Not counted in ClinVar's aggregate classification.